The following is an entry in ClinVar:

ClinVar aggregate classification (germline): Uncertain significance (1 of 4 stars; one submission).

Submission:

Labcorp Genetics (formerly Invitae), Labcorp
Classification: Uncertain significance. Last evaluated: 2024-04-07. Review status: criteria provided, single submitter. Criteria: Invitae Variant Classification Sherloc (09022015). Collection method: clinical testing. Allele origin: germline.
Comment: This variant, c.5569_5574del, results in the deletion of 2 amino acid(s) of the CACNA1D protein (p.Pro1857_His1858del), but otherwise preserves the integrity of the reading frame. This variant is present in population databases (no rsID available, gnomAD 0.0009%). This variant has not been reported in the literature in individuals affected with CACNA1D-related conditions. Experimental studies and prediction algorithms are not available or were not evaluated, and the functional significance of this variant is currently unknown. In summary, the available evidence is currently insufficient to determine the role of this variant in disease. Therefore, it has been classified as a Variant of Uncertain Significance.

NM_001128840.3(CACNA1D):c.5509_5514del (p.Pro1837_His1838del)

Gene: CACNA1D (calcium voltage-gated channel subunit alpha1 D; plus strand). Cytogenetic location: 3p21.1.
Variant type: Deletion.
Coding change: c.5509_5514del on transcript NM_001128840.3 (MANE Select); coding-DNA positions 5509 to 5514, 6 bases deleted (CCCCAC; older notation c.5509_5514delCCCCAC).
Protein change: p.Pro1837_His1838del.
Molecular consequence: inframe deletion.
Genome position (GRCh38, 1-based): chr3:53,803,496-53,803,501, CCCCAC deleted; deleting any 6 consecutive bases within chr3:53,803,494-53,803,501 gives the same sequence; the c. name uses the placement nearest the transcript's 3' end. VCF-style (leftmost placement, unchanged base first): chr3-53803493-GACCCCC-G. GRCh37 (hg19) VCF-style: chr3-53837520-GACCCCC-G.
Other names: c.5569_5574del, p.Pro1857_His1858del (NM_000720.4); c.5437_5442del, p.Pro1813_His1814del (NM_001128839.3).
Identifiers: ClinVar variation 3611060 (VCV003611060.2).
Genomic context (GRCh38, chr3:53,803,493, plus strand): 5'-GGAGATGAACAGCTCCCAACTATTTGCCGGGAAGACCCAGAGATACATGGCTATTTCAGG[GACCCCC>G]ACTGCTTGGGGGAGCAGGAGTATTTCAGTAGTGAGGAATGCTACGAGGATGACAGCTCGC-3'